The following is an entry in ClinVar:

ClinVar aggregate classification (germline): Uncertain significance (1 of 4 stars; one submission).

Conditions:
Congenital contractural arachnodactyly (CCA). Also called: Beals-Hecht syndrome; BEALS SYNDROME; Arthrogryposis, distal, type 9. Identifiers: Orphanet 115, MedGen C0220668, MONDO:0007363, OMIM 121050.

Allele frequency attached by ClinVar (database versions not stated): gnomAD exomes below 0.00001 and 0.00001; TOPMed below 0.00001.
gnomAD v4.1: 3 of 1,613,282 alleles (0.00019%); highest among the groups gnomAD compares: Admixed American, 0.005%; 1 homozygote.

Submission:

Labcorp Genetics (formerly Invitae), Labcorp
Classification: Uncertain significance for Congenital contractural arachnodactyly. Last evaluated: 2023-03-21. Review status: criteria provided, single submitter. Criteria: Invitae Variant Classification Sherloc (09022015). Collection method: clinical testing. Allele origin: germline.
Comment: In summary, the available evidence is currently insufficient to determine the role of this variant in disease. Therefore, it has been classified as a Variant of Uncertain Significance. Advanced modeling of protein sequence and biophysical properties (such as structural, functional, and spatial information, amino acid conservation, physicochemical variation, residue mobility, and thermodynamic stability) performed at Invitae indicates that this missense variant is not expected to disrupt FBN2 protein function. ClinVar contains an entry for this variant (Variation ID: 458742). This variant has not been reported in the literature in individuals affected with FBN2-related conditions. This variant is present in population databases (no rsID available, gnomAD 0.003%). This sequence change replaces glycine, which is neutral and non-polar, with arginine, which is basic and polar, at codon 789 of the FBN2 protein (p.Gly789Arg).

NM_001999.4(FBN2):c.2365G>C (p.Gly789Arg)

Gene: FBN2 (fibrillin 2; minus strand). Cytogenetic location: 5q23.3.
Variant type: single nucleotide variant.
Coding change: c.2365G>C on transcript NM_001999.4 (MANE Select); coding-DNA position 2365, G replaced by C.
Protein change: p.Gly789Arg; replaces glycine 789 with arginine.
Molecular consequence: missense variant.
Genome position (GRCh38, 1-based): chr5:128,364,663, C>G on the plus strand (G>C on the coding strand, the complement: FBN2 is on the minus strand). VCF-style: chr5-128364663-C-G. GRCh37 (hg19) VCF-style: chr5-127700356-C-G.
Other names: short protein forms G789R.
Identifiers: ClinVar variation 458742 (VCV000458742.9), dbSNP rs886038969, ClinGen allele CA360768338.